The following is an entry in ClinVar:

ClinVar aggregate classification (germline): Uncertain significance (1 of 4 stars; one submission).

gnomAD v4.1: 2 of 1,613,906 alleles (0.00012%); highest among the groups gnomAD compares: Admixed American, 0.0033%; no homozygotes.

Submission:

Labcorp Genetics (formerly Invitae), Labcorp
Classification: Uncertain significance. Last evaluated: 2025-03-17. Review status: criteria provided, single submitter. Criteria: Invitae Variant Classification Sherloc (09022015). Collection method: clinical testing. Allele origin: germline.
Comment: This sequence change replaces proline, which is neutral and non-polar, with alanine, which is neutral and non-polar, at codon 779 of the ABCC6 protein (p.Pro779Ala). This variant is present in population databases (no rsID available, gnomAD 0.003%). This variant has not been reported in the literature in individuals affected with ABCC6-related conditions. ClinVar contains an entry for this variant (Variation ID: 1519099). Invitae Evidence Modeling of protein sequence and biophysical properties (such as structural, functional, and spatial information, amino acid conservation, physicochemical variation, residue mobility, and thermodynamic stability) indicates that this missense variant is expected to disrupt ABCC6 protein function with a positive predictive value of 95%. In summary, the available evidence is currently insufficient to determine the role of this variant in disease. Therefore, it has been classified as a Variant of Uncertain Significance.

NM_001171.6(ABCC6):c.2335C>G (p.Pro779Ala)

Gene: ABCC6 (ATP binding cassette subfamily C member 6; minus strand). Cytogenetic location: 16p13.11.
Variant type: single nucleotide variant.
Coding change: c.2335C>G on transcript NM_001171.6 (MANE Select); coding-DNA position 2335, C replaced by G.
Protein change: p.Pro779Ala; replaces proline 779 with alanine.
Molecular consequence: missense variant. On other transcripts: non-coding transcript variant (1).
Genome position (GRCh38, 1-based): chr16:16,178,878, G>C on the plus strand (C>G on the coding strand, the complement: ABCC6 is on the minus strand). VCF-style: chr16-16178878-G-C. GRCh37 (hg19) VCF-style: chr16-16272735-G-C.
Other names: c.1993C>G, p.Pro665Ala (NM_001351800.1); short protein forms P779A, P665A.
Identifiers: ClinVar variation 1519099 (VCV001519099.6), dbSNP rs1419792820, ClinGen allele CA394888031.
Genomic context (GRCh38, chr16:16,178,878, plus strand): 5'-CAGGCCCAATGACCTGGTTGAAGACATGCTGGCCAACGTGGGCATCCAGGGCCGCCAGGG[G>C]GTCATCCAGCAGGTACACAGCTGCCTTTCTGTATACAGCCCGGGCCAGGCTCAGCCGCTG-3'
Protein context (NP_001162.5, residues 769-789): RKAAVYLLDD[Pro779Ala]LAALDAHVGQ